The following is an entry in ClinVar:

NM_005188.4(CBL):c.196G>A (p.Val66Met)

Gene: CBL (Cbl proto-oncogene; plus strand). Cytogenetic location: 11q23.3.
Variant type: single nucleotide variant.
Coding change: c.196G>A on transcript NM_005188.4 (MANE Select); coding-DNA position 196, G replaced by A.
Protein change: p.Val66Met; replaces valine 66 with methionine.
Molecular consequence: missense variant.
Genome position (GRCh38, 1-based): chr11:119,232,448, G>A. VCF-style: chr11-119232448-G-A. GRCh37 (hg19) VCF-style: chr11-119103158-G-A.
Other names: short protein forms V66M.
Identifiers: ClinVar variation 2772815 (VCV002772815.3), dbSNP rs757094442, ClinGen allele CA6318246.

ClinVar aggregate classification (germline): Uncertain significance (1 of 4 stars; one submission).

Conditions:
RASopathy. Also called: Noonan spectrum disorder; rasopathies. Identifiers: Orphanet 536391, MedGen C5555857, MONDO:0021060.

Allele frequency attached by ClinVar (database versions not stated): gnomAD exomes below 0.00001; ExAC 0.00001.
gnomAD v4.1: 1 of 1,613,524 alleles (0.000062%); highest among the groups gnomAD compares: Non-Finnish European, 0.000085%; no homozygotes.

Submission:

Labcorp Genetics (formerly Invitae), Labcorp
Classification: Uncertain significance for RASopathy. Last evaluated: 2023-10-29. Review status: criteria provided, single submitter. Criteria: Invitae Variant Classification Sherloc (09022015). Collection method: clinical testing. Allele origin: germline.
Comment: This sequence change replaces valine, which is neutral and non-polar, with methionine, which is neutral and non-polar, at codon 66 of the CBL protein (p.Val66Met). This variant is present in population databases (rs757094442, gnomAD 0.0009%). This variant has not been reported in the literature in individuals affected with CBL-related conditions. An algorithm developed to predict the effect of missense changes on protein structure and function (PolyPhen-2) suggests that this variant is likely to be disruptive. In summary, the available evidence is currently insufficient to determine the role of this variant in disease. Therefore, it has been classified as a Variant of Uncertain Significance.